The following is an entry in ClinVar:

NM_025243.4(SLC19A3):c.621A>G (p.Ile207Met)

Gene: SLC19A3 (solute carrier family 19 member 3; minus strand). Cytogenetic location: 2q36.3.
Variant type: single nucleotide variant.
Coding change: c.621A>G on transcript NM_025243.4 (MANE Select); coding-DNA position 621, A replaced by G.
Protein change: p.Ile207Met; replaces isoleucine 207 with methionine.
Molecular consequence: missense variant.
Genome position (GRCh38, 1-based): chr2:227,699,094, T>C on the plus strand (A>G on the coding strand, the complement: SLC19A3 is on the minus strand). VCF-style: chr2-227699094-T-C. GRCh37 (hg19) VCF-style: chr2-228563810-T-C.
Other names: short protein forms I207M.
Identifiers: ClinVar variation 215152 (VCV000215152.69), dbSNP rs145804755, ClinGen allele CA324112.

ClinVar aggregate classification (germline): Conflicting classifications of pathogenicity. Review status: criteria provided, conflicting classifications (1 of 4 stars). 11 submissions from 11 submitters: Uncertain significance (3); Benign (1); Likely benign (4). 3 of the submissions do not count toward it. Last evaluated 2026-09-01.

Conditions:
SLC19A3-related disorder. Also called: SLC19A3-related condition.
Biotin-responsive basal ganglia disease (BTBGD). Also called: Thiamine metabolism dysfunction syndrome type 2; Thiamine metabolism dysfunction syndrome 2 (biotin- or thiamine-responsive encephalopathy type 2); thiamine-responsive encephalopathy; Thiamine Transporter-2 Deficiency; THIAMINE METABOLISM DYSFUNCTION SYNDROME 2 (BIOTIN- AND THIAMINE-RESPONSIVE TYPE). Identifiers: Orphanet 199348, Orphanet 65284, MedGen C1843807, MONDO:0011841, OMIM 607483.

Allele frequency attached by ClinVar (database versions not stated): gnomAD exomes 0.00127 and 0.00310; ExAC 0.00134; gnomAD 0.00143 and 0.00150; TOPMed 0.00155; ESP Exome Variant Server 0.00261.
gnomAD v4.1: 4,700 of 1,614,128 alleles (0.29%); highest among the groups gnomAD compares: Non-Finnish European, 0.38%; 8 homozygotes.

Submissions (11):

CeGaT Center for Human Genetics Tuebingen
Classification: Likely benign. Last evaluated: 2026-09-01. Review status: criteria provided, single submitter. Criteria: CeGaT Center For Human Genetics Tuebingen Variant Classification Criteria Version 2. Collection method: clinical testing. Allele origin: germline. Affected: yes. Observed: 3 variant alleles.
Comment: SLC19A3: BP4

Labcorp Genetics (formerly Invitae), Labcorp
Classification: Likely benign for Biotin-responsive basal ganglia disease. Last evaluated: 2026-02-02. Review status: criteria provided, single submitter. Criteria: Invitae Variant Classification Sherloc (09022015). Collection method: clinical testing. Allele origin: germline.

Blueprint Genetics
Classification: Likely benign. Last evaluated: 2024-11-13. Review status: criteria provided, single submitter. Criteria: ACMG Guidelines, 2015. Collection method: clinical testing. Allele origin: germline.

Athena Diagnostics
Classification: Uncertain significance. Last evaluated: 2018-04-10. Review status: criteria provided, single submitter. Criteria: Athena Diagnostics Criteria. Collection method: clinical testing. Allele origin: germline.

Illumina Laboratory Services, Illumina
Classification: Uncertain significance for Biotin-responsive basal ganglia disease. Last evaluated: 2018-01-13. Review status: criteria provided, single submitter. Criteria: ICSL Variant Classification Criteria 13 December 2019. Collection method: clinical testing. Allele origin: germline.

Clinical Genetics DNA and cytogenetics Diagnostics Lab, Erasmus MC, Erasmus Medical Center
Classification: Likely benign for Biotin-responsive basal ganglia disease. Last evaluated: 2017-12-11. Review status: criteria provided, single submitter. Criteria: ACGS Guidelines, 2013. Collection method: clinical testing. Allele origin: germline. Affected: yes. Study: VKGL Data-share Consensus.

Eurofins Ntd Llc (ga)
Classification: Uncertain significance. Last evaluated: 2016-11-01. Review status: criteria provided, single submitter. Criteria: EGL Classification Definitions 2015. Collection method: clinical testing. Allele origin: germline. Observed: 4 variant alleles, 4 heterozygotes.

Genome Diagnostics Laboratory, University Medical Center Utrecht
Classification: Benign for Biotin-responsive basal ganglia disease. Last evaluated: 2014-10-09. Review status: criteria provided, single submitter. Criteria: ACGS Guidelines, 2013. Collection method: clinical testing. Allele origin: germline. Affected: yes. Study: VKGL Data-share Consensus.

PreventionGenetics, part of Exact Sciences
Classification: Likely benign for SLC19A3-related condition. Last evaluated: 2021-04-09. Review status: no assertion criteria provided. Collection method: clinical testing. Allele origin: germline. Not counted in ClinVar's aggregate classification.
Comment: This variant is classified as likely benign based on ACMG/AMP sequence variant interpretation guidelines (Richards et al. 2015 PMID: 25741868, with internal and published modifications).

Mayo Clinic Laboratories, Mayo Clinic
Classification: Uncertain significance. Last evaluated: 2016-02-29. Review status: no assertion criteria provided. Collection method: clinical testing. Allele origin: unknown. Not counted in ClinVar's aggregate classification.

Diagnostic Laboratory, Department of Genetics, University Medical Center Groningen
Classification: Likely benign for Biotin-responsive basal ganglia disease. Review status: no assertion criteria provided. Collection method: clinical testing. Allele origin: germline. Affected: yes. Study: VKGL Data-share Consensus. Not counted in ClinVar's aggregate classification.